The following is an entry in ClinVar:

NM_021930.6(RINT1):c.397A>G (p.Ser133Gly)

Gene: RINT1 (RAD50 interactor 1; plus strand). Cytogenetic location: 7q22.3.
Variant type: single nucleotide variant.
Coding change: c.397A>G on transcript NM_021930.6 (MANE Select); coding-DNA position 397, A replaced by G.
Protein change: p.Ser133Gly; replaces serine 133 with glycine.
Molecular consequence: missense variant. On other transcripts: 5 prime UTR variant (3), non-coding transcript variant (1).
Genome position (GRCh38, 1-based): chr7:105,542,531, A>G. VCF-style: chr7-105542531-A-G. GRCh37 (hg19) VCF-style: chr7-105182978-A-G.
Other names: c.163A>G, p.Ser55Gly (NM_001346599.2); c.-623A>G (NM_001346600.2); c.-526A>G (NM_001346601.2); c.-146A>G (NM_001346603.2); short protein forms S55G, S133G.
Identifiers: ClinVar variation 1736677 (VCV001736677.2), dbSNP rs2485112723, ClinGen allele CA368803415.

ClinVar aggregate classification (germline): Uncertain significance (1 of 4 stars; one submission).

Allele frequency attached by ClinVar (database versions not stated): gnomAD exomes below 0.00001.
gnomAD v4.1: 1 of 1,614,200 alleles (0.000062%); highest among the groups gnomAD compares: Non-Finnish European, 0.000085%; no homozygotes.

Submission:

Ambry Genetics
Classification: Uncertain significance. Last evaluated: 2021-12-30. Review status: criteria provided, single submitter. Criteria: Ambry Variant Classification Scheme 2023. Collection method: clinical testing. Allele origin: germline.
Comment: The p.S133G variant (also known as c.397A>G), located in coding exon 4 of the RINT1 gene, results from an A to G substitution at nucleotide position 397. The serine at codon 133 is replaced by glycine, an amino acid with similar properties. This amino acid position is well conserved in available vertebrate species. In addition, this alteration is predicted to be tolerated by in silico analysis. The evidence for this gene-disease relationship is limited; therefore, the clinical significance of this alteration is unclear.